The following is an entry in ClinVar:

NM_000540.3(RYR1):c.872C>T (p.Ala291Val)

Gene: RYR1 (ryanodine receptor 1; plus strand). Cytogenetic location: 19q13.2.
Variant type: single nucleotide variant.
Coding change: c.872C>T on transcript NM_000540.3 (MANE Select); coding-DNA position 872, C replaced by T.
Protein change: p.Ala291Val; replaces alanine 291 with valine.
Molecular consequence: missense variant.
Genome position (GRCh38, 1-based): chr19:38,448,426, C>T. VCF-style: chr19-38448426-C-T. GRCh37 (hg19) VCF-style: chr19-38939066-C-T.
Other names: c.872C>T, p.Ala291Val (NM_001042723.2); short protein forms A291V.
Identifiers: ClinVar variation 851952 (VCV000851952.13), dbSNP rs200572262, ClinGen allele CA072655.

ClinVar aggregate classification (germline): Uncertain significance. Review status: criteria provided, multiple submitters, no conflicts (2 of 4 stars). 5 submissions from 5 submitters: Uncertain significance (4). 1 of the submissions does not count toward it. Last evaluated 2025-12-25.

Conditions:
Malignant hyperthermia, susceptibility to, 1 (MHS1). Also called: Anesthesia related hyperthermia; Malignant hyperpyrexia; Fulminating hyperpyrexia; Pharmacogenic myopathy; RYR1-Related Malignant Hyperthermia Susceptibility; Malignant hyperthermia suceptibility 1. Identifiers: Orphanet 423, MedGen C2930980, MONDO:0007783, OMIM 145600.
Congenital myopathy with fiber type disproportion. Also called: Congenital fiber-type disproportion; Congenital fiber-type disproportion myopathy. Identifiers: Orphanet 2020, MedGen C0546264, MONDO:0009711. Inheritance: all.
Central core myopathy (CMYO1A). Also called: CONGENITAL MYOPATHY 1A, AUTOSOMAL DOMINANT, WITH SUSCEPTIBILITY TO MALIGNANT HYPERTHERMIA; Central core disease; Myopathy, central fibrillar. Identifiers: Orphanet 597, MedGen C5830701, MONDO:0007294, OMIM 117000.
Congenital multicore myopathy with external ophthalmoplegia (CMYO1B). Also called: MULTICORE MYOPATHY; MULTIMINICORE DISEASE WITH EXTERNAL OPHTHALMOPLEGIA; Congenital myopathy 1B, autosomal recessive; Minicore myopathy; Minicore myopathy with external ophthalmoplegia. Identifiers: Orphanet 598, Orphanet 98905, MedGen C1850674, MONDO:0009712, OMIM 255320, HP:0003789.
King Denborough syndrome (KDS). Identifiers: MedGen C1840365, MONDO:0020485, OMIM 619542.
RYR1-related disorder. Also called: RYR1-related disorders; RYR1-related condition. Identifiers: MedGen CN239331.

Allele frequency attached by ClinVar (database versions not stated): gnomAD 0.00001; TOPMed 0.00001; gnomAD exomes 0.00004; ExAC 0.00005; 1000 Genomes Project 0.00020; 1000 Genomes Project 30x 0.00062.
gnomAD v4.1: 60 of 1,613,528 alleles (0.0037%); highest among the groups gnomAD compares: East Asian, 0.1%; no homozygotes.

Submissions (5):

Labcorp Genetics (formerly Invitae), Labcorp
Classification: Uncertain significance for RYR1-related disorder. Last evaluated: 2025-12-25. Review status: criteria provided, single submitter. Criteria: Invitae Variant Classification Sherloc (09022015). Collection method: clinical testing. Allele origin: germline.
Comment: This sequence change replaces alanine, which is neutral and non-polar, with valine, which is neutral and non-polar, at codon 291 of the RYR1 protein (p.Ala291Val). This variant is present in population databases (rs200572262, gnomAD 0.02%). This variant has not been reported in the literature in individuals affected with RYR1-related conditions. ClinVar contains an entry for this variant (Variation ID: 851952). Invitae Evidence Modeling of protein sequence and biophysical properties (such as structural, functional, and spatial information, amino acid conservation, physicochemical variation, residue mobility, and thermodynamic stability) has been performed for this missense variant. However, the output from this modeling did not meet the statistical confidence thresholds required to predict the impact of this variant on RYR1 protein function. In summary, the available evidence is currently insufficient to determine the role of this variant in disease. Therefore, it has been classified as a Variant of Uncertain Significance.

Women's Health and Genetics/Laboratory Corporation of America, LabCorp
Classification: Uncertain significance. Last evaluated: 2025-09-03. Review status: criteria provided, single submitter. Criteria: LabCorp Variant Classification Summary - May 2015. Collection method: clinical testing. Allele origin: germline.
Comment: Variant summary: RYR1 c.872C>T (p.Ala291Val) results in a non-conservative amino acid change in the encoded protein sequence. Algorithms developed to predict the effect of missense changes on protein structure and function are either unavailable or do not agree on the potential impact of this missense change. The variant allele was found at a frequency of 4e-05 in 250740 control chromosomes. This frequency is not significantly higher than estimated for disease-causing variants in RYR1, allowing no conclusion about variant significance. c.872C>T has been observed in an individual affected with Dravet syndrome, co-occurring with other pathogenic variant(s) (SCN1A, Exon 1-26 del), which provided supporting evidence for a benign role (Hammer_2017). To our knowledge, no experimental evidence demonstrating an impact on protein function has been reported. The following publication has been ascertained in the context of this evaluation (PMID: 28686619). ClinVar contains an entry for this variant (Variation ID: 851952). Based on the evidence outlined above, the variant was classified as uncertain significance.

Color Diagnostics, LLC DBA Color Health
Classification: Uncertain significance for Malignant hyperthermia, susceptibility to, 1. Last evaluated: 2025-06-24. Review status: criteria provided, single submitter. Criteria: ACMG Guidelines, 2015. Collection method: clinical testing. Allele origin: germline.
Comment: This missense variant replaces alanine with valine at codon 291 of the RYR1 protein. Computational prediction is inconclusive regarding the impact of this variant on protein structure and function. To our knowledge, functional studies have not been reported for this variant. This variant has not been reported in individuals affected with RYR1-related disorders in the literature. This variant has been identified in 10/250740 chromosomes in the general population by the Genome Aggregation Database (gnomAD). The available evidence is insufficient to determine the role of this variant in disease conclusively. Therefore, this variant is classified as a Variant of Uncertain Significance.

Fulgent Genetics
Classification: Uncertain significance for Central core myopathy; Malignant hyperthermia, susceptibility to, 1; Congenital myopathy 4A, autosomal dominant; Congenital multicore myopathy with external ophthalmoplegia; King Denborough syndrome. Last evaluated: 2021-10-01. Review status: criteria provided, single submitter. Criteria: ACMG Guidelines, 2015. Collection method: clinical testing. Allele origin: unknown.

PreventionGenetics, part of Exact Sciences
Classification: Uncertain significance for RYR1-related condition. Last evaluated: 2024-01-12. Review status: no assertion criteria provided. Collection method: clinical testing. Allele origin: germline. Not counted in ClinVar's aggregate classification.
Comment: The RYR1 c.872C>T variant is predicted to result in the amino acid substitution p.Ala291Val. To our knowledge, this variant has not been reported in the literature. This variant is reported in 0.038% of alleles in individuals of East Asian descent in gnomAD. At this time, the clinical significance of this variant is uncertain due to the absence of conclusive functional and genetic evidence.

Literature cited by the submitters: PubMed 28686619 (cited by Women's Health and Genetics/Laboratory Corporation of America, LabCorp).